The following is an entry in ClinVar:

ClinVar aggregate classification (germline): Uncertain significance (1 of 4 stars; one submission).

Submission:

Ambry Genetics
Classification: Uncertain significance. Last evaluated: 2026-08-09. Review status: criteria provided, single submitter. Criteria: Ambry Variant Classification Scheme 2023. Collection method: clinical testing. Allele origin: germline.
Comment: The p.A77E variant (also known as c.230C>A), located in coding exon 1 of the GALNT12 gene, results from a C to A substitution at nucleotide position 230. The alanine at codon 77 is replaced by glutamic acid, an amino acid with dissimilar properties. This amino acid position is conserved. In addition, this alteration is predicted to be tolerated by in silico analysis. Based on the available evidence, the clinical significance of this variant remains unclear.

NM_024642.5(GALNT12):c.230C>A (p.Ala77Glu)

Gene: GALNT12 (polypeptide N-acetylgalactosaminyltransferase 12; plus strand). Cytogenetic location: 9q22.33.
Variant type: single nucleotide variant.
Coding change: c.230C>A on transcript NM_024642.5 (MANE Select); coding-DNA position 230, C replaced by A.
Protein change: p.Ala77Glu; replaces alanine 77 with glutamic acid.
Molecular consequence: missense variant.
Genome position (GRCh38, 1-based): chr9:98,807,928, C>A. VCF-style: chr9-98807928-C-A. GRCh37 (hg19) VCF-style: chr9-101570210-C-A.
Other names: short protein forms A77E.
Identifiers: ClinVar variation 5022146 (VCV005022146.1).